The following is an entry in ClinVar:

ClinVar aggregate classification (germline): Uncertain significance (1 of 4 stars; one submission).

Conditions:
Infantile epilepsy syndrome. Identifiers: MedGen CN276928, MONDO:0020071.

Submission:

Broad Center for Mendelian Genomics, Broad Institute of MIT and Harvard
Classification: Uncertain significance for Infantile epilepsy syndrome. Last evaluated: 2025-07-18. Review status: criteria provided, single submitter. Criteria: ACMG Guidelines, 2015. Collection method: curation. Allele origin: germline. Inheritance: Autosomal dominant inheritance. Study: GREGoR Consortium.
Comment: While this gene is still lacking sufficient evidence to establish a gene-disease relationship, we believe this is a possible novel gene candidate for infantile epilepsy syndrome. Given the limited information about this gene-disease relationship, the significance of the p.Pro199Arg variant is uncertain. If you have any additional information about functional evidence or other individuals with this phenotype that also have variants in OSBPL9 we encourage you to reach out to us.

NM_024586.6(OSBPL9):c.596C>G (p.Pro199Arg)

Gene: OSBPL9 (oxysterol binding protein like 9; plus strand). Cytogenetic location: 1p32.3.
Variant type: single nucleotide variant.
Coding change: c.596C>G on transcript NM_024586.6 (MANE Select); coding-DNA position 596, C replaced by G.
Protein change: p.Pro199Arg; replaces proline 199 with arginine.
Molecular consequence: missense variant. On other transcripts: 5 prime UTR variant (1), non-coding transcript variant (1).
Genome position (GRCh38, 1-based): chr1:51,760,703, C>G. VCF-style: chr1-51760703-C-G. GRCh37 (hg19) VCF-style: chr1-52226375-C-G.
Other names: NR_036662.2:n.536C>G; c.101C>G, p.Pro34Arg (NM_001330580.2); c.38C>G, p.Pro13Arg (NM_001350208.2, NM_001350209.2); c.-50C>G (NM_001350210.2); c.650C>G, p.Pro217Arg (NM_001416292.1, NM_001416293.1, NM_001416294.1); c.611C>G, p.Pro204Arg (NM_001416295.1); c.62C>G, p.Pro21Arg (NM_148904.4, NM_148905.4); c.545C>G, p.Pro182Arg (NM_148906.3); and 3 more; short protein forms P13R, P182R, P186R, P199R, P204R, P209R, P217R, P21R.
Identifiers: ClinVar variation 4070929 (VCV004070929.1).